The following is an entry in ClinVar:

ClinVar aggregate classification (germline): Uncertain significance (1 of 4 stars; one submission).

gnomAD v4.1: 1 of 1,614,094 alleles (0.000062%); highest among the groups gnomAD compares: Non-Finnish European, 0.000085%; no homozygotes.

Submission:

Women's Health and Genetics/Laboratory Corporation of America, LabCorp
Classification: Uncertain significance. Last evaluated: 2024-12-20. Review status: criteria provided, single submitter. Criteria: LabCorp Variant Classification Summary - May 2015. Collection method: clinical testing. Allele origin: germline.
Comment: Variant summary: GLB1 c.363G>T (p.Arg121Ser) results in a non-conservative amino acid change in the encoded protein sequence. Five of five in-silico tools predict a damaging effect of the variant on protein function. The variant was absent in 249496 control chromosomes (gnomAD). The available data on variant occurrences in the general population are insufficient to allow any conclusion about variant significance. c.363G>T has been reported in the literature in an individual affected with GM1 Gangliosidosis (Silva_1999). These data do not allow any conclusion about variant significance. To our knowledge, no experimental evidence demonstrating an impact on protein function has been reported. The following publication has been ascertained in the context of this evaluation (PMID: 10338095). No submitters have cited clinical-significance assessments for this variant to ClinVar. Based on the evidence outlined above, the variant was classified as uncertain significance.

Literature cited by the submitters: PubMed 10338095.

NM_000404.4(GLB1):c.363G>T (p.Arg121Ser)

Gene: GLB1 (galactosidase beta 1; minus strand). Cytogenetic location: 3p22.3.
Variant type: single nucleotide variant.
Coding change: c.363G>T on transcript NM_000404.4 (MANE Select); coding-DNA position 363, G replaced by T.
Protein change: p.Arg121Ser; replaces arginine 121 with serine.
Molecular consequence: missense variant. On other transcripts: intron variant (1).
Genome position (GRCh38, 1-based): chr3:33,068,853, C>A on the plus strand (G>T on the coding strand, the complement: GLB1 is on the minus strand). VCF-style: chr3-33068853-C-A. GRCh37 (hg19) VCF-style: chr3-33110345-C-A.
Other names: c.273G>T, p.Arg91Ser (NM_001079811.3); c.507G>T, p.Arg169Ser (NM_001317040.2); c.363G>T, p.Arg121Ser (NM_001393580.1); c.246-3296G>T (NM_001135602.3); short protein forms R121S, R169S, R91S.
Identifiers: ClinVar variation 3768497 (VCV003768497.1).